The following is an entry in ClinVar:

NM_016169.4(SUFU):c.58C>A (p.Pro20Thr)

Genes: SUFU (SUFU negative regulator of hedgehog signaling; plus strand), LOC130004614 (ATAC-STARR-seq lymphoblastoid silent region 2764; plus strand). Cytogenetic location: 10q24.32.
Variant type: single nucleotide variant.
Coding change: c.58C>A on transcript NM_016169.4 (MANE Select); coding-DNA position 58, C replaced by A.
Protein change: p.Pro20Thr; replaces proline 20 with threonine.
Molecular consequence: missense variant.
Genome position (GRCh38, 1-based): chr10:102,504,210, C>A. VCF-style: chr10-102504210-C-A. GRCh37 (hg19) VCF-style: chr10-104263967-C-A.
Other names: c.58C>A, p.Pro20Thr (NM_001178133.2); short protein forms P20T.
Identifiers: ClinVar variation 5030364 (VCV005030364.1).

ClinVar aggregate classification (germline): Uncertain significance (1 of 4 stars; one submission).

Conditions:
Hereditary cancer-predisposing syndrome. Also called: Neoplastic Syndromes, Hereditary; Tumor predisposition; Hereditary neoplastic syndrome; Hereditary Cancer Syndrome. Identifiers: Orphanet 140162, MedGen C0027672, MeSH D009386, MONDO:0015356.

Submission:

Ambry Genetics
Classification: Uncertain significance for Hereditary cancer-predisposing syndrome. Last evaluated: 2026-07-06. Review status: criteria provided, single submitter. Criteria: Ambry Variant Classification Scheme 2023. Collection method: clinical testing. Allele origin: germline.
Comment: The p.P20T variant (also known as c.58C>A), located in coding exon 1 of the SUFU gene, results from a C to A substitution at nucleotide position 58. The proline at codon 20 is replaced by threonine, an amino acid with highly similar properties. This amino acid position is conserved. In addition, the in silico prediction for this alteration is inconclusive. Based on the available evidence, the clinical significance of this variant remains unclear.